The following is an entry in ClinVar:

NM_000037.4(ANK1):c.3105G>A (p.Gly1035=)

Gene: ANK1 (ankyrin 1; minus strand). Cytogenetic location: 8p11.21.
Variant type: single nucleotide variant.
Coding change: c.3105G>A on transcript NM_000037.4 (MANE Select); coding-DNA position 3105, G replaced by A.
Protein change: p.Gly1035=; no amino-acid change (glycine 1035 retained).
Molecular consequence: synonymous variant.
Genome position (GRCh38, 1-based): chr8:41,695,187, C>T on the plus strand (G>A on the coding strand, the complement: ANK1 is on the minus strand). VCF-style: chr8-41695187-C-T. GRCh37 (hg19) VCF-style: chr8-41552705-C-T.
Other names: c.3228G>A, p.Gly1076= (NM_001142446.2); c.3105G>A, p.Gly1035= (NM_020475.3, NM_020476.3, NM_020477.3).
Identifiers: ClinVar variation 3049668 (VCV003049668.2), dbSNP rs200127919, ClinGen allele CA4727986.

ClinVar aggregate classification (germline): Likely benign (0 of 4 stars; one submission).

Conditions:
ANK1-related disorder. Also called: ANK1-related condition.

Allele frequency attached by ClinVar (database versions not stated): gnomAD exomes 0.00003; ExAC 0.00012; gnomAD 0.00027; TOPMed 0.00029; ESP Exome Variant Server 0.00031; 1000 Genomes Project 0.00060; 1000 Genomes Project 30x 0.00094.
gnomAD v4.1: 93 of 1,614,182 alleles (0.0058%); highest among the groups gnomAD compares: African/African-American, 0.11%; no homozygotes.

Submission:

PreventionGenetics, part of Exact Sciences
Classification: Likely benign for ANK1-related condition. Last evaluated: 2019-07-15. Review status: no assertion criteria provided. Collection method: clinical testing. Allele origin: germline.
Comment: This variant is classified as likely benign based on ACMG/AMP sequence variant interpretation guidelines (Richards et al. 2015 PMID: 25741868, with internal and published modifications).